The following is an entry in ClinVar:

NM_001846.4(COL4A2):c.1735C>T (p.Arg579Cys)

Genes: COL4A2 (collagen type IV alpha 2 chain; plus strand), COL4A2-AS2 (COL4A2 antisense RNA 2; minus strand). Cytogenetic location: 13q34.
Variant type: single nucleotide variant.
Coding change: c.1735C>T on transcript NM_001846.4 (MANE Select); coding-DNA position 1735, C replaced by T.
Protein change: p.Arg579Cys; replaces arginine 579 with cysteine.
Molecular consequence: missense variant.
Genome position (GRCh38, 1-based): chr13:110,462,343, C>T. VCF-style: chr13-110462343-C-T. GRCh37 (hg19) VCF-style: chr13-111114690-C-T.
Other names: short protein forms R579C.
Identifiers: ClinVar variation 3615490 (VCV003615490.2).

ClinVar aggregate classification (germline): Uncertain significance (1 of 4 stars; one submission).

gnomAD v4.1: 16 of 1,614,030 alleles (0.00099%); highest among the groups gnomAD compares: Middle Eastern, 0.083%; no homozygotes.

Submission:

Labcorp Genetics (formerly Invitae), Labcorp
Classification: Uncertain significance. Last evaluated: 2024-04-16. Review status: criteria provided, single submitter. Criteria: Invitae Variant Classification Sherloc (09022015). Collection method: clinical testing. Allele origin: germline.
Comment: This sequence change replaces arginine, which is basic and polar, with cysteine, which is neutral and slightly polar, at codon 579 of the COL4A2 protein (p.Arg579Cys). This variant is present in population databases (rs755820436, gnomAD 0.003%). This variant has not been reported in the literature in individuals affected with COL4A2-related conditions. Advanced modeling of protein sequence and biophysical properties (such as structural, functional, and spatial information, amino acid conservation, physicochemical variation, residue mobility, and thermodynamic stability) performed at Invitae indicates that this missense variant is not expected to disrupt COL4A2 protein function with a negative predictive value of 95%. In summary, the available evidence is currently insufficient to determine the role of this variant in disease. Therefore, it has been classified as a Variant of Uncertain Significance.